The following is an entry in ClinVar:

NM_001966.4(EHHADH):c.1908A>G (p.Gly636=)

Gene: EHHADH (enoyl-CoA hydratase and 3-hydroxyacyl CoA dehydrogenase; minus strand). Cytogenetic location: 3q27.2.
Variant type: single nucleotide variant.
Coding change: c.1908A>G on transcript NM_001966.4 (MANE Select); coding-DNA position 1908, A replaced by G.
Protein change: p.Gly636=; no amino-acid change (glycine 636 retained).
Molecular consequence: synonymous variant.
Genome position (GRCh38, 1-based): chr3:185,192,490, T>C on the plus strand (A>G on the coding strand, the complement: EHHADH is on the minus strand). VCF-style: chr3-185192490-T-C. GRCh37 (hg19) VCF-style: chr3-184910278-T-C.
Other names: p.Gly636=; c.1620A>G, p.Gly540= (NM_001166415.2).
Identifiers: ClinVar variation 712444 (VCV000712444.6), dbSNP rs114439807, ClinGen allele CA2738894.
Genomic context (GRCh38, chr3:185,192,490, plus strand): 5'-CCATCCATATCCATGTAAATAGACAACATCAATGTGCTCTGGGCTAGCAGCTATCCCTTC[T>C]CCCAAGATACGGAATGCTTCATTGATAAGTGAATATAAGCAGCGTTCAAGGATCTCATCC-3'
Protein context (NP_001957.2, residues 626-646): SLINEAFRIL[Gly636=]EGIAASPEHI

ClinVar aggregate classification (germline): Benign. Review status: criteria provided, multiple submitters, no conflicts (2 of 4 stars). 3 submissions from 3 submitters: Benign (3). Last evaluated 2022-08-24.

Allele frequency attached by ClinVar (database versions not stated): gnomAD exomes 0.00125 and 0.00045; gnomAD 0.00504 and 0.00471; ESP Exome Variant Server 0.00546; 1000 Genomes Project 0.00559; ExAC 0.00148; TOPMed 0.00547; 1000 Genomes Project 30x 0.00578.
gnomAD v4.1: 1,403 of 1,614,194 alleles (0.087%); highest among the groups gnomAD compares: African/African-American, 1.7%; 17 homozygotes.

Submissions (3):

Mayo Clinic Laboratories, Mayo Clinic
Classification: Benign. Last evaluated: 2022-08-24. Review status: criteria provided, single submitter. Criteria: ACMG Guidelines, 2015. Collection method: clinical testing. Allele origin: germline. Observed: 5 variant alleles.
Comment: BS1, BS2, BP4, BP7

Labcorp Genetics (formerly Invitae), Labcorp
Classification: Benign. Last evaluated: 2019-12-31. Review status: criteria provided, single submitter. Criteria: Invitae Variant Classification Sherloc (09022015). Collection method: clinical testing. Allele origin: germline.

Breakthrough Genomics
Classification: Benign. Review status: criteria provided, single submitter. Criteria: ACMG Guidelines, 2015. Collection method: not provided. Allele origin: germline. Inheritance: Autosomal dominant inheritance. Affected: yes.